The following is an entry in ClinVar:

NM_138295.5(PKD1L1):c.6383C>A (p.Ala2128Asp)

Gene: PKD1L1 (polycystin 1 like 1, transient receptor potential channel interacting; minus strand). Cytogenetic location: 7p12.3.
Variant type: single nucleotide variant.
Coding change: c.6383C>A on transcript NM_138295.5 (MANE Select); coding-DNA position 6383, C replaced by A.
Protein change: p.Ala2128Asp; replaces alanine 2128 with aspartic acid.
Molecular consequence: missense variant.
Genome position (GRCh38, 1-based): chr7:47,831,307, G>T on the plus strand (C>A on the coding strand, the complement: PKD1L1 is on the minus strand). VCF-style: chr7-47831307-G-T. GRCh37 (hg19) VCF-style: chr7-47870905-G-T.
Other names: short protein forms A2128D.
Identifiers: ClinVar variation 3030524 (VCV003030524.4), dbSNP rs150761907, ClinGen allele CA4252471.
Genomic context (GRCh38, chr7:47,831,307, plus strand): 5'-CAGGCCAAAGAAGCGGTCCCACAAATGGCCCACACTGCAGAGCTCCACCAAGGCTGAAGG[G>T]CCCTTGACCACTGGGGCATTAGTCCCTCCAAACCACTGCTGGGTGCTGCGGAAGAGTAGG-3'
Protein context (NP_612152.1, residues 2118-2138): LEGLMPQWSR[Ala2128Asp]LQPWWSSAVW

ClinVar aggregate classification (germline): Likely benign. Review status: criteria provided, single submitter (1 of 4 stars). 2 submissions from 2 submitters: Likely benign (1). 1 of the submissions does not count toward it. Last evaluated 2024-08-28.

Conditions:
PKD1L1-related disorder. Also called: PKD1L1-related condition.

Allele frequency attached by ClinVar (database versions not stated): gnomAD exomes 0.00012; gnomAD 0.00019; TOPMed 0.00030; ExAC 0.00047; 1000 Genomes Project 0.00060; 1000 Genomes Project 30x 0.00109.

Submissions (2):

Labcorp Genetics (formerly Invitae), Labcorp
Classification: Likely benign. Last evaluated: 2024-08-28. Review status: criteria provided, single submitter. Criteria: Invitae Variant Classification Sherloc (09022015). Collection method: clinical testing. Allele origin: germline.

PreventionGenetics, part of Exact Sciences
Classification: Likely benign for PKD1L1-related condition. Last evaluated: 2022-11-22. Review status: no assertion criteria provided. Collection method: clinical testing. Allele origin: germline. Not counted in ClinVar's aggregate classification.
Comment: This variant is classified as likely benign based on ACMG/AMP sequence variant interpretation guidelines (Richards et al. 2015 PMID: 25741868, with internal and published modifications).